The following is an entry in ClinVar:

NM_001142800.2(EYS):c.8950_8957del (p.Leu2984fs)

Genes: EYS (EGF-like photoreceptor maintenance factor; minus strand), PHF3 (PHD finger protein 3; plus strand). Cytogenetic location: 6q12.
Variant type: Deletion.
Coding change: c.8950_8957del on transcript NM_001142800.2 (MANE Select); coding-DNA positions 8950 to 8957, 8 bases deleted (TTAAATTT; older notation c.8950_8957delTTAAATTT).
Protein change: p.Leu2984fs; shifts the reading frame from leucine 2984.
Molecular consequence: frameshift variant. On other transcripts: 3 prime UTR variant (5).
Genome position (GRCh38, 1-based): chr6:63,721,074-63,721,081, AAATTTAA deleted on the plus strand (TTAAATTT on the coding strand, the reverse complement: EYS is on the minus strand). VCF-style (leftmost placement, unchanged base first): chr6-63721073-GAAATTTAA-G. GRCh37 (hg19) VCF-style: chr6-64430969-GAAATTTAA-G.
Other names: c.*7366_*7373del (NM_001290259.2, NM_001370348.2, NM_001370349.2 and 2 more transcripts); c.9013_9020del, p.Leu3005fs (NM_001292009.2); short protein forms L2984fs, L3005fs.
Identifiers: ClinVar variation 5003509 (VCV005003509.1).

ClinVar aggregate classification (germline): Pathogenic (1 of 4 stars; one submission).

Conditions:
Retinitis pigmentosa 25 (RP25). Identifiers: Orphanet 791, MedGen C1864446, MONDO:0011272, OMIM 602772.

Submission:

Myriad Genetics, Inc.
Classification: Pathogenic for Retinitis pigmentosa 25. Last evaluated: 2025-10-31. Review status: criteria provided, single submitter. Criteria: Myriad Autosomal Dominant, Autosomal Recessive and X-Linked Classification Criteria (2023). Collection method: clinical testing. Allele origin: unknown.
Comment: NM_001142800.1(EYS):c.8950_8957del8(L2984Qfs*4) is a frameshift variant classified as pathogenic in the context of retinitis pigmentosa, EYS-related. L2984Qfs*4 has not been observed in cases with relevant disease. Relevant functional assessments of this variant are not available in the literature. L2984Qfs*4 has not been observed in referenced population frequency databases. In summary, NM_001142800.1(EYS):c.8950_8957del8(L2984Qfs*4) is a frameshift variant in a gene where loss of function is a known mechanism of disease and is predicted to disrupt protein function. Please note: this variant was assessed in the context of healthy population screening.